The following is an entry in ClinVar:

ClinVar aggregate classification (germline): Likely benign (0 of 4 stars; one submission).

Conditions:
PLXNA3-related disorder. Also called: PLXNA3-related condition.

Submission:

PreventionGenetics, part of Exact Sciences
Classification: Likely benign for PLXNA3-related condition. Last evaluated: 2024-03-15. Review status: no assertion criteria provided. Collection method: clinical testing. Allele origin: germline.
Comment: This variant is classified as likely benign based on ACMG/AMP sequence variant interpretation guidelines (Richards et al. 2015 PMID: 25741868, with internal and published modifications).

NM_017514.5(PLXNA3):c.2544C>T (p.Leu848=)

Gene: PLXNA3 (plexin A3; plus strand). Cytogenetic location: Xq28.
Variant type: single nucleotide variant.
Coding change: c.2544C>T on transcript NM_017514.5 (MANE Select); coding-DNA position 2544, C replaced by T.
Protein change: p.Leu848=; no amino-acid change (leucine 848 retained).
Molecular consequence: synonymous variant.
Genome position (GRCh38, 1-based): chrX:154,465,946, C>T. VCF-style: chrX-154465946-C-T. GRCh37 (hg19) VCF-style: chrX-153694289-C-T.
Identifiers: ClinVar variation 3350530 (VCV003350530.1).